The following is an entry in ClinVar:

NM_032790.4(ORAI1):c.71C>T (p.Thr24Ile)

Genes: ORAI1 (ORAI calcium release-activated calcium modulator 1; plus strand), LOC130008987 (ATAC-STARR-seq lymphoblastoid silent region 4981; plus strand). Cytogenetic location: 12q24.31.
Variant type: single nucleotide variant.
Coding change: c.71C>T on transcript NM_032790.4 (MANE Select); coding-DNA position 71, C replaced by T.
Protein change: p.Thr24Ile; replaces threonine 24 with isoleucine.
Molecular consequence: missense variant. On other transcripts: non-coding transcript variant (1).
Genome position (GRCh38, 1-based): chr12:121,626,813, C>T. VCF-style: chr12-121626813-C-T. GRCh37 (hg19) VCF-style: chr12-122064718-C-T.
Other names: short protein forms T24I.
Identifiers: ClinVar variation 2932106 (VCV002932106.3), dbSNP rs1555322493, ClinGen allele CA386980405.

ClinVar aggregate classification (germline): Uncertain significance (1 of 4 stars; one submission).

Conditions:
Combined immunodeficiency due to ORAI1 deficiency. Also called: IMMUNODEFICIENCY 9. Identifiers: Orphanet 169090, Orphanet 317428, MedGen C2748568, MONDO:0013007, OMIM 612782.
Myopathy, tubular aggregate, 2 (TAM2). Identifiers: MedGen C4014557, MONDO:0014383, OMIM 615883.

Allele frequency attached by ClinVar (database versions not stated): gnomAD exomes 0.00001.

Submission:

Labcorp Genetics (formerly Invitae), Labcorp
Classification: Uncertain significance for Myopathy, tubular aggregate, 2; Combined immunodeficiency due to ORAI1 deficiency. Last evaluated: 2025-10-07. Review status: criteria provided, single submitter. Criteria: Invitae Variant Classification Sherloc (09022015). Collection method: clinical testing. Allele origin: germline.
Comment: This sequence change replaces threonine, which is neutral and polar, with isoleucine, which is neutral and non-polar, at codon 24 of the ORAI1 protein (p.Thr24Ile). This variant is present in population databases (no rsID available, gnomAD 0.03%). This variant has not been reported in the literature in individuals affected with ORAI1-related conditions. ClinVar contains an entry for this variant (Variation ID: 2932106). Experimental studies and prediction algorithms are not available or were not evaluated, and the functional significance of this variant is currently unknown. In summary, the available evidence is currently insufficient to determine the role of this variant in disease. Therefore, it has been classified as a Variant of Uncertain Significance.